The following is an entry in ClinVar:

NM_152383.5(DIS3L2):c.842C>T (p.Pro281Leu)

Gene: DIS3L2 (DIS3 like 3'-5' exoribonuclease 2; plus strand). Cytogenetic location: 2q37.1.
Variant type: single nucleotide variant.
Coding change: c.842C>T on transcript NM_152383.5 (MANE Select); coding-DNA position 842, C replaced by T.
Protein change: p.Pro281Leu; replaces proline 281 with leucine.
Molecular consequence: missense variant. On other transcripts: non-coding transcript variant (1).
Genome position (GRCh38, 1-based): chr2:232,136,611, C>T. VCF-style: chr2-232136611-C-T. GRCh37 (hg19) VCF-style: chr2-233001321-C-T.
Other names: c.842C>T, p.Pro281Leu (NM_001257281.2); short protein forms P281L.
Identifiers: ClinVar variation 1969290 (VCV001969290.5), dbSNP rs2106355473, ClinGen allele CA351153709.
Genomic context (GRCh38, chr2:232,136,611, plus strand): 5'-TGTTTAGGAAATACGCCCTGTTTTCTCCCTCAGACCACCGAGTGCCTAGAATTTATGTGC[C>T]TCTCAAGGACTGTCCCCAGGACTTTGTGGCACGGCCTAAAGATTATGCCAACACACTGTT-3'
Protein context (NP_689596.4, residues 271-291): SDHRVPRIYV[Pro281Leu]LKDCPQDFVA

ClinVar aggregate classification (germline): Uncertain significance (1 of 4 stars; one submission).

Conditions:
Perlman syndrome (PRLMNS). Identifiers: Orphanet 2849, MedGen C0796113, MONDO:0009965, OMIM 267000.

Submission:

Labcorp Genetics (formerly Invitae), Labcorp
Classification: Uncertain significance for Perlman syndrome. Last evaluated: 2022-04-29. Review status: criteria provided, single submitter. Criteria: Invitae Variant Classification Sherloc (09022015). Collection method: clinical testing. Allele origin: germline.
Comment: This variant is not present in population databases (gnomAD no frequency). In summary, the available evidence is currently insufficient to determine the role of this variant in disease. Therefore, it has been classified as a Variant of Uncertain Significance. Algorithms developed to predict the effect of missense changes on protein structure and function are either unavailable or do not agree on the potential impact of this missense change (SIFT: "Deleterious"; PolyPhen-2: "Benign"; Align-GVGD: "Class C0"). This variant has not been reported in the literature in individuals affected with DIS3L2-related conditions. This sequence change replaces proline, which is neutral and non-polar, with leucine, which is neutral and non-polar, at codon 281 of the DIS3L2 protein (p.Pro281Leu).